The following is an entry in ClinVar:

NM_052947.4(ALPK2):c.146G>T (p.Gly49Val)

Gene: ALPK2 (alpha kinase 2; minus strand). Cytogenetic location: 18q21.32.
Variant type: single nucleotide variant.
Coding change: c.146G>T on transcript NM_052947.4 (MANE Select); coding-DNA position 146, G replaced by T.
Protein change: p.Gly49Val; replaces glycine 49 with valine.
Molecular consequence: missense variant.
Genome position (GRCh38, 1-based): chr18:58,607,403, C>A on the plus strand (G>T on the coding strand, the complement: ALPK2 is on the minus strand). VCF-style: chr18-58607403-C-A. GRCh37 (hg19) VCF-style: chr18-56274635-C-A.
Other names: short protein forms G49V.
Identifiers: ClinVar variation 3289979 (VCV003289979.1).

ClinVar aggregate classification (germline): Uncertain significance (1 of 4 stars; one submission).

Submission:

Ambry Genetics
Classification: Uncertain significance. Last evaluated: 2024-04-06. Review status: criteria provided, single submitter. Criteria: Ambry Variant Classification Scheme 2023. Collection method: clinical testing. Allele origin: germline.
Comment: The p.G49V variant (also known as c.146G>T), located in coding exon 2 of the ALPK2 gene, results from a G to T substitution at nucleotide position 146. The glycine at codon 49 is replaced by valine, an amino acid with dissimilar properties. This amino acid position is conserved. In addition, the in silico prediction for this alteration is inconclusive. Based on the available evidence, the clinical significance of this variant remains unclear.